The following is an entry in ClinVar:

ClinVar aggregate classification (germline): Benign. Review status: criteria provided, multiple submitters, no conflicts (2 of 4 stars). 3 submissions from 3 submitters: Benign (2). 1 of the submissions does not count toward it. Last evaluated 2021-05-04.

Conditions:
DNAH17-related disorder. Also called: DNAH17-related condition.

Allele frequency attached by ClinVar (database versions not stated): ESP Exome Variant Server 0.90497; gnomAD 0.90546 and 0.90769; gnomAD exomes 0.91196 and 0.91300; ExAC 0.91254; TOPMed 0.91379; 1000 Genomes Project 30x 0.93473; 1000 Genomes Project 0.93550.
gnomAD v4.1: 1,451,213 of 1,591,996 alleles (91%); highest among the groups gnomAD compares: East Asian, 99%; 661,976 homozygotes.

Submissions (3):

GeneDx
Classification: Benign. Last evaluated: 2021-05-04. Review status: criteria provided, single submitter. Criteria: GeneDx Variant Classification Process June 2021. Collection method: clinical testing. Allele origin: germline. Affected: yes.

Breakthrough Genomics
Classification: Benign. Review status: criteria provided, single submitter. Criteria: ACMG Guidelines, 2015. Collection method: not provided. Allele origin: germline. Inheritance: Autosomal recessive inheritance. Affected: yes.

PreventionGenetics, part of Exact Sciences
Classification: Benign for DNAH17-related condition. Last evaluated: 2019-10-17. Review status: no assertion criteria provided. Collection method: clinical testing. Allele origin: germline. Not counted in ClinVar's aggregate classification.
Comment: This variant is classified as benign based on ACMG/AMP sequence variant interpretation guidelines (Richards et al. 2015 PMID: 25741868, with internal and published modifications).

NM_173628.4(DNAH17):c.9978-3T>C

Gene: DNAH17 (dynein axonemal heavy chain 17; minus strand). Cytogenetic location: 17q25.3.
Variant type: single nucleotide variant.
Coding change: c.9978-3T>C on transcript NM_173628.4 (MANE Select); 3 bases into the intron before coding-DNA position 9978, T replaced by C.
Molecular consequence: intron variant.
Genome position (GRCh38, 1-based): chr17:78,455,839, A>G on the plus strand (T>C on the coding strand, the complement: DNAH17 is on the minus strand). VCF-style: chr17-78455839-A-G. GRCh37 (hg19) VCF-style: chr17-76451921-A-G.
Other names: c.9978-3T>C (NM_173628.3).
Identifiers: ClinVar variation 1237118 (VCV001237118.6), dbSNP rs8069561, ClinGen allele CA8801033.